The following is an entry in ClinVar:

ClinVar aggregate classification (germline): Uncertain significance (1 of 4 stars; one submission).

Submission:

GeneDx
Classification: Uncertain significance. Last evaluated: 2022-12-28. Review status: criteria provided, single submitter. Criteria: GeneDx Variant Classification Process June 2021. Collection method: clinical testing. Allele origin: germline. Affected: yes.
Comment: Not observed at significant frequency in large population cohorts (gnomAD); In silico analysis supports that this missense variant does not alter protein structure/function; Has not been previously published as pathogenic or benign to our knowledge

NM_001271.4(CHD2):c.1297A>C (p.Ile433Leu)

Gene: CHD2 (chromodomain helicase DNA binding protein 2; plus strand). Cytogenetic location: 15q26.1.
Variant type: single nucleotide variant.
Coding change: c.1297A>C on transcript NM_001271.4 (MANE Select); coding-DNA position 1297, A replaced by C.
Protein change: p.Ile433Leu; replaces isoleucine 433 with leucine.
Molecular consequence: missense variant.
Genome position (GRCh38, 1-based): chr15:92,946,136, A>C. VCF-style: chr15-92946136-A-C. GRCh37 (hg19) VCF-style: chr15-93489366-A-C.
Other names: c.1297A>C, p.Ile433Leu (NM_001042572.3); short protein forms I433L.
Identifiers: ClinVar variation 2507276 (VCV002507276.1), dbSNP rs368327967, ClinGen allele CA393903812.